The following is an entry in ClinVar:

NM_000179.3(MSH6):c.4052_4063dup (p.Leu1354_Thr1355insAsnLysLeuLeu)

Gene: MSH6 (mutS homolog 6; plus strand). Cytogenetic location: 2p16.3.
Variant type: Duplication.
Coding change: c.4052_4063dup on transcript NM_000179.3 (MANE Select); coding-DNA positions 4052 to 4063, 12 bases duplicated (ATAAATTGCTGA).
Protein change: p.Leu1354_Thr1355insAsnLysLeuLeu.
Molecular consequence: inframe insertion. On other transcripts: 3 prime UTR variant (5), non-coding transcript variant (5), inframe indel (1).
Genome position (GRCh38, 1-based): chr2:47,806,829-47,806,840, ATAAATTGCTGA duplicated. VCF-style (leftmost placement, unchanged base first): chr2-47806828-C-CATAAATTGCTGA. GRCh37 (hg19) VCF-style: chr2-48033967-C-CATAAATTGCTGA.
Other names: c.3662_3673dup, p.Leu1224_Thr1225insAsnLysLeuLeu (NM_001281492.2); c.3146_3157dup, p.Leu1052_Thr1053insAsnLysLeuLeu (NM_001281493.2, NM_001281494.2, NM_001406811.1 and 6 more transcripts); c.4148_4159dup, p.Leu1386_Thr1387insAsnLysLeuLeu (NM_001406795.1); c.4052_4063dup, p.Leu1354_Thr1355insAsnLysLeuLeu (NM_001406796.1, NM_001406809.1); c.3755_3766dup, p.Leu1255_Thr1256insAsnLysLeuLeu (NM_001406797.1, NM_001406805.1, NM_001406818.1 and 8 more transcripts); c.3878_3889dup, p.Leu1296_Thr1297insAsnLysLeuLeu (NM_001406798.1); c.3527_3538dup, p.Leu1179_Thr1180insAsnLysLeuLeu (NM_001406799.1, NM_001406806.1, NM_001406807.1); c.*73_*84dup (NM_001406800.1); and 10 more.
Identifiers: ClinVar variation 4657835 (VCV004657835.1).

ClinVar aggregate classification (germline): Uncertain significance (1 of 4 stars; one submission).

Conditions:
Hereditary cancer-predisposing syndrome. Also called: Neoplastic Syndromes, Hereditary; Tumor predisposition; Hereditary Cancer Syndrome; Hereditary neoplastic syndrome. Identifiers: Orphanet 140162, MedGen C0027672, MeSH D009386, MONDO:0015356.

Submission:

Ambry Genetics
Classification: Uncertain significance for Hereditary cancer-predisposing syndrome. Last evaluated: 2025-11-06. Review status: criteria provided, single submitter. Criteria: Ambry Variant Classification Scheme 2023. Collection method: clinical testing. Allele origin: germline.
Comment: The c.4052_4063dup12 variant (also known as p.L1354_T1355insNKLL), located in coding exon 10 of the MSH6 gene, results from an in-frame duplication of 12 nucleotides at nucleotide positions 4052 to 4063. This results in the insertion of 4 amino acids between codons 1354 and 1355. This amino acid region is well conserved in available vertebrate species. In addition, this variant is predicted to be neutral by in silico analysis (Choi Y et al. PLoS ONE. 2012; 7(10):e46688). Based on the available evidence, the clinical significance of this variant remains unclear.